The following is an entry in ClinVar:

ClinVar aggregate classification (germline): Uncertain significance (1 of 4 stars; one submission).

gnomAD v4.1: 3 of 1,614,210 alleles (0.00019%); highest among the groups gnomAD compares: Admixed American, 0.0017%; no homozygotes.

Submission:

Labcorp Genetics (formerly Invitae), Labcorp
Classification: Uncertain significance. Last evaluated: 2024-02-12. Review status: criteria provided, single submitter. Criteria: Invitae Variant Classification Sherloc (09022015). Collection method: clinical testing. Allele origin: germline.
Comment: This sequence change replaces leucine, which is neutral and non-polar, with phenylalanine, which is neutral and non-polar, at codon 619 of the TWNK protein (p.Leu619Phe). This variant is not present in population databases (gnomAD no frequency). This variant has not been reported in the literature in individuals affected with TWNK-related conditions. Advanced modeling of protein sequence and biophysical properties (such as structural, functional, and spatial information, amino acid conservation, physicochemical variation, residue mobility, and thermodynamic stability) performed at Invitae indicates that this missense variant is expected to disrupt TWNK protein function with a positive predictive value of 95%. In summary, the available evidence is currently insufficient to determine the role of this variant in disease. Therefore, it has been classified as a Variant of Uncertain Significance.

NM_021830.5(TWNK):c.1855C>T (p.Leu619Phe)

Gene: TWNK (twinkle mtDNA helicase; plus strand). Cytogenetic location: 10q24.31.
Variant type: single nucleotide variant.
Coding change: c.1855C>T on transcript NM_021830.5 (MANE Select); coding-DNA position 1855, C replaced by T.
Protein change: p.Leu619Phe; replaces leucine 619 with phenylalanine.
Molecular consequence: missense variant. On other transcripts: 3 prime UTR variant (2), non-coding transcript variant (5).
Genome position (GRCh38, 1-based): chr10:100,993,310, C>T. VCF-style: chr10-100993310-C-T. GRCh37 (hg19) VCF-style: chr10-102753067-C-T.
Other names: c.*150C>T (NM_001163812.2, NM_001163814.2); c.493C>T, p.Leu165Phe (NM_001163813.2, NM_001368275.1); short protein forms L165F, L619F.
Identifiers: ClinVar variation 3675176 (VCV003675176.2).